The following is an entry in ClinVar:

NM_001267052.2(UNC45B):c.1300C>T (p.Arg434Cys)

Gene: UNC45B (unc-45 myosin chaperone B; plus strand). Cytogenetic location: 17q12.
Variant type: single nucleotide variant.
Coding change: c.1300C>T on transcript NM_001267052.2 (MANE Select); coding-DNA position 1300, C replaced by T.
Protein change: p.Arg434Cys; replaces arginine 434 with cysteine.
Molecular consequence: missense variant.
Genome position (GRCh38, 1-based): chr17:35,168,209, C>T. VCF-style: chr17-35168209-C-T. GRCh37 (hg19) VCF-style: chr17-33495228-C-T.
Other names: c.1300C>T, p.Arg434Cys (NM_001033576.2, NM_001308281.1, NM_173167.3); short protein forms R434C.
Identifiers: ClinVar variation 1961620 (VCV001961620.5), dbSNP rs201660389, ClinGen allele CA8501100.

ClinVar aggregate classification (germline): Uncertain significance (1 of 4 stars; one submission).

Allele frequency attached by ClinVar (database versions not stated): TOPMed 0.00004.
gnomAD v4.1: 39 of 1,598,242 alleles (0.0024%); highest among the groups gnomAD compares: Admixed American, 0.027%; no homozygotes.

Submission:

Labcorp Genetics (formerly Invitae), Labcorp
Classification: Uncertain significance. Last evaluated: 2022-03-18. Review status: criteria provided, single submitter. Criteria: Invitae Variant Classification Sherloc (09022015). Collection method: clinical testing. Allele origin: germline.
Comment: This sequence change replaces arginine, which is basic and polar, with cysteine, which is neutral and slightly polar, at codon 434 of the UNC45B protein (p.Arg434Cys). This variant is present in population databases (rs201660389, gnomAD 0.04%). This variant has not been reported in the literature in individuals affected with UNC45B-related conditions. Algorithms developed to predict the effect of missense changes on protein structure and function (SIFT, PolyPhen-2, Align-GVGD) all suggest that this variant is likely to be tolerated. In summary, the available evidence is currently insufficient to determine the role of this variant in disease. Therefore, it has been classified as a Variant of Uncertain Significance.